The following is an entry in ClinVar:

ClinVar aggregate classification (germline): Likely benign. Review status: criteria provided, multiple submitters, no conflicts (2 of 4 stars). 2 submissions from 2 submitters: Likely benign (2). Last evaluated 2025-10-02.

Allele frequency attached by ClinVar (database versions not stated): TOPMed 0.00001; ExAC 0.00002; gnomAD exomes 0.00002.
gnomAD v4.1: 28 of 1,606,086 alleles (0.0017%); highest among the groups gnomAD compares: Middle Eastern, 0.017%; 1 homozygote.

Submissions (2):

Labcorp Genetics (formerly Invitae), Labcorp
Classification: Likely benign. Last evaluated: 2025-10-02. Review status: criteria provided, single submitter. Criteria: Invitae Variant Classification Sherloc (09022015). Collection method: clinical testing. Allele origin: germline.

Mayo Clinic Laboratories, Mayo Clinic
Classification: Likely benign. Last evaluated: 2025-08-14. Review status: criteria provided, single submitter. Criteria: ACMG Guidelines, 2015. Collection method: clinical testing. Allele origin: germline. Observed: 2 variant alleles.
Comment: BP4, BP7

NM_007215.4(POLG2):c.969+10A>G

Genes: MILR1 (mast cell immunoglobulin like receptor 1; plus strand), POLG2 (DNA polymerase gamma 2, accessory subunit; minus strand). Cytogenetic location: 17q23.3.
Variant type: single nucleotide variant.
Coding change: c.969+10A>G on transcript NM_007215.4 (MANE Select); 10 bases into the intron after coding-DNA position 969, A replaced by G.
Molecular consequence: intron variant.
Genome position (GRCh38, 1-based): chr17:64,490,786, T>C on the plus strand (A>G on the coding strand, the complement: POLG2 is on the minus strand). VCF-style: chr17-64490786-T-C. GRCh37 (hg19) VCF-style: chr17-62486903-T-C.
Other names: p.?.
Identifiers: ClinVar variation 1536232 (VCV001536232.9), dbSNP rs782752859, ClinGen allele CA8712886.